The following is an entry in ClinVar:

ClinVar aggregate classification (germline): Conflicting classifications of pathogenicity. Review status: criteria provided, conflicting classifications (1 of 4 stars). 3 submissions from 3 submitters: Uncertain significance (2); Benign (1). Last evaluated 2026-01-29.

Conditions:
Hereditary cancer-predisposing syndrome. Also called: Tumor predisposition; Neoplastic Syndromes, Hereditary; Hereditary Cancer Syndrome; Hereditary neoplastic syndrome. Identifiers: Orphanet 140162, MedGen C0027672, MeSH D009386, MONDO:0015356.
Gorlin syndrome. Also called: Basal cell nevus syndrome; Nevoid Basal Cell Carcinoma Syndrome. Identifiers: Orphanet 377, MedGen C0004779, MONDO:0007187.

gnomAD v4.1: 10 of 1,612,906 alleles (0.00062%); highest among the groups gnomAD compares: East Asian, 0.0067%; no homozygotes.

Submissions (3):

Labcorp Genetics (formerly Invitae), Labcorp
Classification: Benign for Gorlin syndrome. Last evaluated: 2026-01-29. Review status: criteria provided, single submitter. Criteria: Invitae Variant Classification Sherloc (09022015). Collection method: clinical testing. Allele origin: germline.

Ambry Genetics
Classification: Uncertain significance for Hereditary cancer-predisposing syndrome. Last evaluated: 2025-08-01. Review status: criteria provided, single submitter. Criteria: Ambry Variant Classification Scheme 2023. Collection method: clinical testing. Allele origin: germline.
Comment: The p.P1315R variant (also known as c.3944C>G), located in coding exon 23 of the PTCH1 gene, results from a C to G substitution at nucleotide position 3944. The proline at codon 1315 is replaced by arginine, an amino acid with dissimilar properties. This amino acid position is highly conserved in available vertebrate species. In addition, this alteration is predicted to be deleterious by in silico analysis. Since supporting evidence is limited at this time, the clinical significance of this alteration remains unclear.

Quest Diagnostics Nichols Institute San Juan Capistrano
Classification: Uncertain significance. Last evaluated: 2025-03-31. Review status: criteria provided, single submitter. Criteria: Quest Diagnostics criteria. Collection method: clinical testing. Allele origin: unknown.
Comment: The PTCH1 c.3944C>G (p.Pro1315Arg) variant has not been reported in individuals with PTCH1-related conditions in the published literature. The frequency of this variant in the general population (Genome Aggregation Database) is uninformative in the assessment of its pathogenicity. Analysis of this variant using bioinformatics tools for the prediction of the effect of amino acid changes on protein structure and function yielded conflicting predictions that this variant is benign or damaging. Based on the available information, we are unable to determine the clinical significance of this variant.

NM_000264.5(PTCH1):c.3944C>G (p.Pro1315Arg)

Gene: PTCH1 (patched 1; minus strand). Cytogenetic location: 9q22.32.
Variant type: single nucleotide variant.
Coding change: c.3944C>G on transcript NM_000264.5 (MANE Select); coding-DNA position 3944, C replaced by G.
Protein change: p.Pro1315Arg; replaces proline 1315 with arginine.
Molecular consequence: missense variant. On other transcripts: non-coding transcript variant (1).
Genome position (GRCh38, 1-based): chr9:95,447,312, G>C on the plus strand (C>G on the coding strand, the complement: PTCH1 is on the minus strand). VCF-style: chr9-95447312-G-C. GRCh37 (hg19) VCF-style: chr9-98209594-G-C.
Other names: c.3746C>G, p.Pro1249Arg (NM_001083602.3); c.3941C>G, p.Pro1314Arg (NM_001083603.3); c.3491C>G, p.Pro1164Arg (NM_001083604.3, NM_001083605.3, NM_001083606.3 and 1 more transcripts); c.3788C>G, p.Pro1263Arg (NM_001354918.2); c.3944C>G (NM_000264.4); short protein forms P1249R, P1315R, P1164R, P1314R, P1263R.
Identifiers: ClinVar variation 486198 (VCV000486198.16), dbSNP rs357564, ClinGen allele CA374110618.
Genomic context (GRCh38, chr9:95,447,312, plus strand): 5'-TTGCTAGGGCCAGAATGCCCTTCAGTAGAAATTTCAAAAGCGTCTCTGCGCGGTCTGTAG[G>C]GGGGTGGCCACAAGCCTTCTCTGGGGGGGTCCCTGCGGGGCTGCTGGCCTTGCCGTCCGG-3'
Protein context (NP_000255.2, residues 1305-1325): DPPREGLWPP[Pro1315Arg]YRPRRDAFEI